The following is an entry in ClinVar:

NM_000540.3(RYR1):c.10689C>T (p.Val3563=)

Gene: RYR1 (ryanodine receptor 1; plus strand). Cytogenetic location: 19q13.2.
Variant type: single nucleotide variant.
Coding change: c.10689C>T on transcript NM_000540.3 (MANE Select); coding-DNA position 10689, C replaced by T.
Protein change: p.Val3563=; no amino-acid change (valine 3563 retained).
Molecular consequence: synonymous variant.
Genome position (GRCh38, 1-based): chr19:38,527,649, C>T. VCF-style: chr19-38527649-C-T. GRCh37 (hg19) VCF-style: chr19-39018289-C-T.
Other names: c.10674C>T, p.Val3558= (NM_001042723.2).
Identifiers: ClinVar variation 2649810 (VCV002649810.28), dbSNP rs1442635383, ClinGen allele CA507237490.
Genomic context (GRCh38, chr19:38,527,649, plus strand): 5'-CCGGCGGACACTGTGGGAAGGGTCCCTCACGCCGGCCACTCCTTCTTCCTCCCTTCAGGT[C>T]GAAGGCTCCCCGTCTCTGCGCTGGCAGATGGCTCTGTACCGGGGCGTCCCGGGTCGCGAG-3'
Protein context (NP_000531.2, residues 3553-3573): LHNNLHLQGK[Val3563=]EGSPSLRWQM

ClinVar aggregate classification (germline): Likely benign. Review status: criteria provided, multiple submitters, no conflicts (2 of 4 stars). 3 submissions from 3 submitters: Likely benign (3). Last evaluated 2024-02-23.

Conditions:
Malignant hyperthermia, susceptibility to, 1 (MHS1). Also called: Anesthesia related hyperthermia; Malignant hyperpyrexia; Fulminating hyperpyrexia; Pharmacogenic myopathy; RYR1-Related Malignant Hyperthermia Susceptibility; Malignant hyperthermia suceptibility 1. Identifiers: Orphanet 423, MedGen C2930980, MONDO:0007783, OMIM 145600.
RYR1-related disorder. Also called: RYR1-related condition; RYR1-related disorders. Identifiers: MedGen CN239331.

Allele frequency attached by ClinVar (database versions not stated): gnomAD 0.00001; TOPMed 0.00001.
gnomAD v4.1: 4 of 1,613,898 alleles (0.00025%); highest among the groups gnomAD compares: Non-Finnish European, 0.00034%; no homozygotes.

Submissions (3):

Labcorp Genetics (formerly Invitae), Labcorp
Classification: Likely benign for RYR1-related disorder. Last evaluated: 2024-02-23. Review status: criteria provided, single submitter. Criteria: Invitae Variant Classification Sherloc (09022015). Collection method: clinical testing. Allele origin: germline.

All of Us Research Program, National Institutes of Health
Classification: Likely benign for Malignant hyperthermia, susceptibility to, 1. Last evaluated: 2023-12-01. Review status: criteria provided, single submitter. Criteria: ACMG Guidelines, 2015. Collection method: clinical testing. Allele origin: germline. Inheritance: Autosomal dominant inheritance. Observed: 2 variant alleles, 2 heterozygotes.
Comment: This study involves interpretation of variants in research participants for the purpose of population health screening. Participant phenotype was not available at the time of variant classification. Additional details can be found in publication PMID: 35346344, PMCID: PMC8962531

CeGaT Center for Human Genetics Tuebingen
Classification: Likely benign. Last evaluated: 2023-01-01. Review status: criteria provided, single submitter. Criteria: CeGaT Center For Human Genetics Tuebingen Variant Classification Criteria Version 2. Collection method: clinical testing. Allele origin: germline. Affected: yes. Observed: 1 variant allele.
Comment: RYR1: BP4, BP7